The following is an entry in ClinVar:

NM_002224.4(ITPR3):c.1886+8C>T

Gene: ITPR3 (inositol 1,4,5-trisphosphate receptor type 3; plus strand). Cytogenetic location: 6p21.31.
Variant type: single nucleotide variant.
Coding change: c.1886+8C>T on transcript NM_002224.4 (MANE Select); 8 bases into the intron after coding-DNA position 1886, C replaced by T.
Molecular consequence: intron variant.
Genome position (GRCh38, 1-based): chr6:33,667,972, C>T. VCF-style: chr6-33667972-C-T. GRCh37 (hg19) VCF-style: chr6-33635749-C-T.
Identifiers: ClinVar variation 2656496 (VCV002656496.24), dbSNP rs139220041, ClinGen allele CA3760383.

ClinVar aggregate classification (germline): Likely benign (1 of 4 stars; one submission).

Allele frequency attached by ClinVar (database versions not stated): ESP Exome Variant Server 0.00085; TOPMed 0.00097; 1000 Genomes Project 30x 0.00141; 1000 Genomes Project 0.00160; ExAC 0.00278; gnomAD 0.00294.
gnomAD v4.1: 3,584 of 1,613,702 alleles (0.22%); highest among the groups gnomAD compares: Non-Finnish European, 0.17%; 16 homozygotes.

Submission:

CeGaT Center for Human Genetics Tuebingen
Classification: Likely benign. Last evaluated: 2026-09-01. Review status: criteria provided, single submitter. Criteria: CeGaT Center For Human Genetics Tuebingen Variant Classification Criteria Version 2. Collection method: clinical testing. Allele origin: germline. Affected: yes. Observed: 7 variant alleles.
Comment: ITPR3: BP4, BS1